The following is an entry in ClinVar:

ClinVar aggregate classification (germline): Uncertain significance (1 of 4 stars; one submission).

Conditions:
Surfactant metabolism dysfunction, pulmonary, 4 (SMDP4). Also called: PAP DUE TO CSF2RA DEFICIENCY; PULMONARY ALVEOLAR PROTEINOSIS, CONGENITAL, 4; CSF2RA DEFICIENCY. Identifiers: Orphanet 264675, MedGen C2677877, MONDO:0010424, OMIM 300770.

Allele frequency attached by ClinVar (database versions not stated): gnomAD below 0.00001 and 0.00001; gnomAD exomes 0.00005 and 0.00008; ExAC 0.00009; 1000 Genomes Project 30x 0.00021; 1000 Genomes Project 0.00026.
gnomAD v4.1: 70 of 1,613,846 alleles (0.0043%); highest among the groups gnomAD compares: South Asian, 0.072%; 1 homozygote.

Submission:

Labcorp Genetics (formerly Invitae), Labcorp
Classification: Uncertain significance for Surfactant metabolism dysfunction, pulmonary, 4. Last evaluated: 2024-02-17. Review status: criteria provided, single submitter. Criteria: Invitae Variant Classification Sherloc (09022015). Collection method: clinical testing. Allele origin: germline.
Comment: This sequence change replaces glycine, which is neutral and non-polar, with cysteine, which is neutral and slightly polar, at codon 118 of the CSF2RA protein (p.Gly118Cys). This variant is present in population databases (no rsID available, gnomAD 0.06%). This variant has not been reported in the literature in individuals affected with CSF2RA-related conditions. ClinVar contains an entry for this variant (Variation ID: 649317). Advanced modeling of protein sequence and biophysical properties (such as structural, functional, and spatial information, amino acid conservation, physicochemical variation, residue mobility, and thermodynamic stability) performed at Invitae indicates that this missense variant is expected to disrupt CSF2RA protein function with a positive predictive value of 80%. In summary, the available evidence is currently insufficient to determine the role of this variant in disease. Therefore, it has been classified as a Variant of Uncertain Significance.

NM_172245.4(CSF2RA):c.352G>T (p.Gly118Cys)

Gene: CSF2RA (colony stimulating factor 2 receptor subunit alpha; plus strand). Cytogenetic location: Xp22.33.
Variant type: single nucleotide variant.
Coding change: c.352G>T on transcript NM_172245.4 (MANE Select); coding-DNA position 352, G replaced by T.
Protein change: p.Gly118Cys; replaces glycine 118 with cysteine.
Molecular consequence: missense variant. On other transcripts: 5 prime UTR variant (1), non-coding transcript variant (1).
Genome position (GRCh38, 1-based): chrX:1,288,767, G>T. VCF-style: chrX-1288767-G-T. GRCh37 (hg19) VCF-style: chrX-1407660-G-T.
Other names: c.352G>T, p.Gly118Cys (NM_001161529.2, NM_001161530.2, NM_001161531.2 and 20 more transcripts); c.-48G>T (NM_001161532.2); short protein forms G118C.
Identifiers: ClinVar variation 649317 (VCV000649317.7), dbSNP rs756668034, ClinGen allele CA10330781.